The following is an entry in ClinVar:

ClinVar aggregate classification (germline): Uncertain significance (1 of 4 stars; one submission).

Conditions:
Primary hyperoxaluria, type I (HP1). Also called: GLYCOLIC ACIDURIA; HEPATIC AGT DEFICIENCY; OXALOSIS I; Primary hyperoxaluria type 1. Identifiers: Orphanet 416, Orphanet 93598, MedGen C0268164, MONDO:0009823, OMIM 259900. Disease mechanism: loss of function.

gnomAD v4.1: 9 of 1,473,624 alleles (0.00061%); highest among the groups gnomAD compares: Middle Eastern, 0.092%; no homozygotes.

Submission:

Illumina Laboratory Services, Illumina
Classification: Uncertain significance for Primary hyperoxaluria, type I. Last evaluated: 2017-04-27. Review status: criteria provided, single submitter. Criteria: ICSL Variant Classification Criteria 13 December 2019. Collection method: clinical testing. Allele origin: germline.
Comment: This variant was observed as part of a predisposition screen in an ostensibly healthy population. A literature search was performed for the gene, cDNA change, and amino acid change (where applicable). Publications were found based on this search. However, the evidence from the literature, in combination with allele frequency data from public databases where available, was not sufficient to rule this variant in or out of causing disease. Therefore, this variant is classified as a variant of unknown significance.

Literature cited by the submitters: PubMed 22685354.

NM_000030.3(AGXT):c.174C>A (p.Asp58Glu)

Gene: AGXT (alanine--glyoxylate aminotransferase; plus strand). Cytogenetic location: 2q37.3.
Variant type: single nucleotide variant.
Coding change: c.174C>A on transcript NM_000030.3 (MANE Select); coding-DNA position 174, C replaced by A.
Protein change: p.Asp58Glu; replaces aspartic acid 58 with glutamic acid.
Molecular consequence: missense variant.
Genome position (GRCh38, 1-based): chr2:240,869,178, C>A. VCF-style: chr2-240869178-C-A. GRCh37 (hg19) VCF-style: chr2-241808595-C-A.
Other names: short protein forms D58E.
Identifiers: ClinVar variation 898216 (VCV000898216.4), dbSNP rs761756536, ClinGen allele CA68173735.